The following is an entry in ClinVar:

NM_014915.3(ANKRD26):c.4101A>T (p.Leu1367Phe)

Gene: ANKRD26 (ankyrin repeat domain containing 26; minus strand). Cytogenetic location: 10p12.1.
Variant type: single nucleotide variant.
Coding change: c.4101A>T on transcript NM_014915.3 (MANE Select); coding-DNA position 4101, A replaced by T.
Protein change: p.Leu1367Phe; replaces leucine 1367 with phenylalanine.
Molecular consequence: missense variant.
Genome position (GRCh38, 1-based): chr10:27,022,672, T>A on the plus strand (A>T on the coding strand, the complement: ANKRD26 is on the minus strand). VCF-style: chr10-27022672-T-A. GRCh37 (hg19) VCF-style: chr10-27311601-T-A.
Other names: c.4098A>T, p.Leu1366Phe (NM_001256053.2); short protein forms L1366F, L1367F.
Identifiers: ClinVar variation 4103213 (VCV004103213.1).
Genomic context (GRCh38, chr10:27,022,672, plus strand): 5'-ATCTCCATGGAAACTAAATTCTCCATTTTCATATTCATTTAACTTCTTTCTTGTCATTTT[T>A]AAGAGGTTCTTAAATCTGCAGGAAGGTACAAAATGAGTAACTCAAGTTTTAAAAAGGCAA-3'
Protein context (NP_055730.2, residues 1357-1377): EREITGFKNL[Leu1367Phe]KMTRKKLNEY

ClinVar aggregate classification (germline): Uncertain significance (1 of 4 stars; one submission).

Conditions:
Inborn genetic diseases. Identifiers: MedGen C0950123, MeSH D030342.

Submission:

Ambry Genetics
Classification: Uncertain significance for Inborn genetic diseases. Last evaluated: 2025-07-03. Review status: criteria provided, single submitter. Criteria: Ambry Variant Classification Scheme 2023. Collection method: clinical testing. Allele origin: germline.
Comment: The p.L1367F variant (also known as c.4101A>T), located in coding exon 29 of the ANKRD26 gene, results from an A to T substitution at nucleotide position 4101. The leucine at codon 1367 is replaced by phenylalanine, an amino acid with highly similar properties. This amino acid position is conserved. In addition, this alteration is predicted to be tolerated by in silico analysis. Based on the available evidence, the clinical significance of this variant remains unclear.